The following is an entry in ClinVar:

NM_002860.4(ALDH18A1):c.1053C>G (p.Thr351=)

Gene: ALDH18A1 (aldehyde dehydrogenase 18 family member A1; minus strand). Cytogenetic location: 10q24.1.
Variant type: single nucleotide variant.
Coding change: c.1053C>G on transcript NM_002860.4 (MANE Select); coding-DNA position 1053, C replaced by G.
Protein change: p.Thr351=; no amino-acid change (threonine 351 retained).
Molecular consequence: synonymous variant.
Genome position (GRCh38, 1-based): chr10:95,627,467, G>C on the plus strand (C>G on the coding strand, the complement: ALDH18A1 is on the minus strand). VCF-style: chr10-95627467-G-C. GRCh37 (hg19) VCF-style: chr10-97387224-G-C.
Other names: c.1047C>G, p.Thr349= (NM_001017423.2, NM_001323415.2); c.720C>G, p.Thr240= (NM_001323412.2, NM_001323416.2); c.1053C>G, p.Thr351= (NM_001323413.2, NM_001323414.2); c.948C>G, p.Thr316= (NM_001323417.2); c.714C>G, p.Thr238= (NM_001323418.2); c.417C>G, p.Thr139= (NM_001323419.2).
Identifiers: ClinVar variation 3751819 (VCV003751819.2).

ClinVar aggregate classification (germline): Uncertain significance (1 of 4 stars; one submission).

Conditions:
Cutis laxa, autosomal dominant 3 (ADCL3). Identifiers: Orphanet 90348, MedGen C4225268, MONDO:0014706, OMIM 616603.
Autosomal dominant spastic paraplegia type 9. Identifiers: MedGen C1832669, MONDO:0015091.
de Barsy syndrome. Also called: Cutis laxa-corneal clouding-oligophrenia syndrome. Identifiers: Orphanet 2962, MedGen C0268354, MONDO:0017569.

gnomAD v4.1: 2 of 1,614,126 alleles (0.00012%); highest among the groups gnomAD compares: Non-Finnish European, 0.00017%; no homozygotes.

Submission:

Labcorp Genetics (formerly Invitae), Labcorp
Classification: Uncertain significance for Autosomal dominant spastic paraplegia type 9; de Barsy syndrome; Cutis laxa, autosomal dominant 3. Last evaluated: 2024-07-29. Review status: criteria provided, single submitter. Criteria: Invitae Variant Classification Sherloc (09022015). Collection method: clinical testing. Allele origin: germline.
Comment: This sequence change affects codon 351 of the ALDH18A1 mRNA. It is a 'silent' change, meaning that it does not change the encoded amino acid sequence of the ALDH18A1 protein. This variant is present in population databases (no rsID available, gnomAD 0.0009%). This variant has not been reported in the literature in individuals affected with ALDH18A1-related conditions. Algorithms developed to predict the effect of sequence changes on RNA splicing suggest that this variant may disrupt the consensus splice site. In summary, the available evidence is currently insufficient to determine the role of this variant in disease. Therefore, it has been classified as a Variant of Uncertain Significance.